The following is an entry in ClinVar:

ClinVar aggregate classification (germline): Uncertain significance (1 of 4 stars; one submission).

Conditions:
Aicardi-Goutieres syndrome 2. Identifiers: Orphanet 51, MedGen C3489724, MONDO:0012429, OMIM 610181.

Submission:

Labcorp Genetics (formerly Invitae), Labcorp
Classification: Uncertain significance for Aicardi-Goutieres syndrome 2. Last evaluated: 2023-10-03. Review status: criteria provided, single submitter. Criteria: Invitae Variant Classification Sherloc (09022015). Collection method: clinical testing. Allele origin: germline.
Comment: This sequence change replaces alanine, which is neutral and non-polar, with threonine, which is neutral and polar, at codon 200 of the RNASEH2B protein (p.Ala200Thr). This variant is not present in population databases (gnomAD no frequency). This variant has not been reported in the literature in individuals affected with RNASEH2B-related conditions. ClinVar contains an entry for this variant (Variation ID: 2043898). Advanced modeling of protein sequence and biophysical properties (such as structural, functional, and spatial information, amino acid conservation, physicochemical variation, residue mobility, and thermodynamic stability) has been performed at Invitae for this missense variant, however the output from this modeling did not meet the statistical confidence thresholds required to predict the impact of this variant on RNASEH2B protein function. In summary, the available evidence is currently insufficient to determine the role of this variant in disease. Therefore, it has been classified as a Variant of Uncertain Significance.

NM_024570.4(RNASEH2B):c.598G>A (p.Ala200Thr)

Gene: RNASEH2B (ribonuclease H2 subunit B; plus strand). Cytogenetic location: 13q14.3.
Variant type: single nucleotide variant.
Coding change: c.598G>A on transcript NM_024570.4 (MANE Select); coding-DNA position 598, G replaced by A.
Protein change: p.Ala200Thr; replaces alanine 200 with threonine.
Molecular consequence: missense variant.
Genome position (GRCh38, 1-based): chr13:50,945,514, G>A. VCF-style: chr13-50945514-G-A. GRCh37 (hg19) VCF-style: chr13-51519650-G-A.
Other names: c.598G>A, p.Ala200Thr (NM_001142279.2, NM_001411023.1); short protein forms A200T.
Identifiers: ClinVar variation 2043898 (VCV002043898.4), dbSNP rs1426381002, ClinGen allele CA388259724.